The following is an entry in ClinVar:

NM_000027.4(AGA):c.192T>A (p.Cys64Ter)

Gene: AGA (aspartylglucosaminidase; minus strand). Cytogenetic location: 4q34.3.
Variant type: single nucleotide variant.
Coding change: c.192T>A on transcript NM_000027.4 (MANE Select); coding-DNA position 192, T replaced by A.
Protein change: p.Cys64Ter; replaces cysteine 64 with a stop codon.
Molecular consequence: nonsense. On other transcripts: non-coding transcript variant (1).
Genome position (GRCh38, 1-based): chr4:177,440,362, A>T on the plus strand (T>A on the coding strand, the complement: AGA is on the minus strand). VCF-style: chr4-177440362-A-T. GRCh37 (hg19) VCF-style: chr4-178361516-A-T.
Other names: c.192T>A, p.Cys64Ter (NM_001171988.2); short protein forms C64*.
Identifiers: ClinVar variation 55938 (VCV000055938.2), dbSNP rs386833419, ClinGen allele CA144012.
Genomic context (GRCh38, chr4:177,440,362, plus strand): 5'-TTCTCCAAGTTCATCAGGACTTCCTCCAAAGCCTACAGAGCCGTCACACTGCTCTCTCTC[A>T]CACATGGCACAGCCGCTCTCCACTGCATCCAGGGCAGAGCCTCCAGATGCTAATGCCCTC-3'

ClinVar aggregate classification (germline): Likely pathogenic (0 of 4 stars; one submission).

Conditions:
Aspartylglucosaminuria (AGU). Also called: Aspartylglucos-aminuria; Aspartylglucos-amidase (AGA) deficiency; AGA DEFICIENCY; GLYCOASPARAGINASE; GLYCOSYLASPARAGINASE DEFICIENCY. Identifiers: Orphanet 93, MedGen C0268225, MONDO:0008830, OMIM 208400, HP:0012068.

Submission:

Juha Muilu Group; Institute for Molecular Medicine Finland (FIMM)
Classification: Likely pathogenic for Aspartylglycosaminuria. Review status: no assertion criteria provided. Collection method: not provided. Allele origin: unknown.
Comment: FinDis database variant: This variant was not found or characterized by our laboratory, data were collected from public sources: see reference
ClinVar note: Converted during submission from probable-pathogenic to Likely pathogenic.